The following is an entry in ClinVar:

ClinVar aggregate classification (germline): Uncertain significance (1 of 4 stars; one submission).

Conditions:
Hereditary cancer-predisposing syndrome. Also called: Hereditary Cancer Syndrome; Tumor predisposition; Hereditary neoplastic syndrome; Neoplastic Syndromes, Hereditary. Identifiers: Orphanet 140162, MedGen C0027672, MeSH D009386, MONDO:0015356.

Submission:

Ambry Genetics
Classification: Uncertain significance for Hereditary cancer-predisposing syndrome. Last evaluated: 2024-06-08. Review status: criteria provided, single submitter. Criteria: Ambry Variant Classification Scheme 2023. Collection method: clinical testing. Allele origin: germline.
Comment: The p.D139E variant (also known as c.417C>G), located in coding exon 1 of the CDKN1B gene, results from a C to G substitution at nucleotide position 417. The aspartic acid at codon 139 is replaced by glutamic acid, an amino acid with highly similar properties. This amino acid position is conserved. In addition, this alteration is predicted to be tolerated by in silico analysis. Based on the available evidence, the clinical significance of this variant remains unclear.

NM_004064.5(CDKN1B):c.417C>G (p.Asp139Glu)

Gene: CDKN1B (cyclin dependent kinase inhibitor 1B; plus strand). Cytogenetic location: 12p13.1.
Variant type: single nucleotide variant.
Coding change: c.417C>G on transcript NM_004064.5 (MANE Select); coding-DNA position 417, C replaced by G.
Protein change: p.Asp139Glu; replaces aspartic acid 139 with glutamic acid.
Molecular consequence: missense variant.
Genome position (GRCh38, 1-based): chr12:12,718,256, C>G. VCF-style: chr12-12718256-C-G. GRCh37 (hg19) VCF-style: chr12-12871190-C-G.
Other names: short protein forms D139E.
Identifiers: ClinVar variation 3265540 (VCV003265540.1).